The following is an entry in ClinVar:

ClinVar aggregate classification (germline): Pathogenic. Review status: no assertion criteria provided (0 of 4 stars). 4 submissions from 4 submitters: Pathogenic (4). Last evaluated 2019-08-01.

Conditions:
Intellectual developmental disorder and retinitis pigmentosa; IDDRP. Also called: INTELLECTUAL DEVELOPMENTAL DISORDER AND RETINITIS PIGMENTOSA. Identifiers: MedGen C4748658, MONDO:0032594, OMIM 618195.
Retinitis pigmentosa (RP). Identifiers: Orphanet 791, MedGen C0035334, MeSH D012174, MONDO:0019200, OMIM 268000. Inheritance: Autosomal dominant, autosomal recessive and X linked inheritance.
Syndromic retinitis pigmentosa. Identifiers: Orphanet 98661, MedGen C5680332, MONDO:0020240.

Submissions (4):

Section for Clinical Neurogenetics, University of Tübingen
Classification: Pathogenic for Intellectual developmental disorder and retinitis pigmentosa; IDDRP. Last evaluated: 2019-08-01. Review status: no assertion criteria provided. Collection method: research. Allele origin: germline. Affected: yes.

Sharon lab, Hadassah-Hebrew University Medical Center
Classification: Pathogenic for Retinitis pigmentosa, syndromic. Last evaluated: 2019-06-23. Review status: no assertion criteria provided. Collection method: research. Allele origin: inherited. Affected: yes.

OMIM
Classification: Pathogenic for INTELLECTUAL DEVELOPMENTAL DISORDER AND RETINITIS PIGMENTOSA. Last evaluated: 2018-11-20. Review status: no assertion criteria provided. Collection method: literature only. Allele origin: germline.

Rappaport Faculty of Medicine, Technion-Israel Institute of Technology
Classification: Pathogenic for Retinitis pigmentosa. Review status: no assertion criteria provided. Collection method: research. Allele origin: inherited. Inheritance: Autosomal recessive inheritance. Affected: yes. Observed: 1 variant allele, 1 homozygote.
Comment: retinitis pigmentosa with intellectual disability

Literature cited by the submitters: PubMed 32214227 (cited by Section for Clinical Neurogenetics, University of Tübingen); PubMed 28794130 (cited by 3 submitters).

NM_020843.4(SCAPER):c.2023-2A>G

Gene: SCAPER (S-phase cyclin A associated protein in the ER; minus strand). Cytogenetic location: 15q24.3.
Variant type: single nucleotide variant.
Coding change: c.2023-2A>G on transcript NM_020843.4 (MANE Select); the canonical splice acceptor site of the intron before coding-DNA position 2023, A replaced by G.
Molecular consequence: splice acceptor variant.
Genome position (GRCh38, 1-based): chr15:76,728,739, T>C on the plus strand (A>G on the coding strand, the complement: SCAPER is on the minus strand). VCF-style: chr15-76728739-T-C. GRCh37 (hg19) VCF-style: chr15-77021080-T-C.
Other names: IVS18AS, A-G, -2; c.1639-2A>G (NM_001353011.2); c.1621-2A>G (NM_001353012.2, NM_001353010.2); c.2041-2A>G (NM_001353009.2); c.1285-2A>G (NM_001145923.2).
Identifiers: ClinVar variation 424861 (VCV000424861.6), dbSNP rs1555558169, ClinGen allele CA393634888.